The following is an entry in ClinVar:

NM_001009944.3(PKD1):c.8137G>T (p.Gly2713Ter)

Gene: PKD1 (polycystin 1, transient receptor potential channel interacting; minus strand). Cytogenetic location: 16p13.3.
Variant type: single nucleotide variant.
Coding change: c.8137G>T on transcript NM_001009944.3 (MANE Select); coding-DNA position 8137, G replaced by T.
Protein change: p.Gly2713Ter; replaces glycine 2713 with a stop codon.
Molecular consequence: nonsense.
Genome position (GRCh38, 1-based): chr16:2,104,522, C>A on the plus strand (G>T on the coding strand, the complement: PKD1 is on the minus strand). VCF-style: chr16-2104522-C-A. GRCh37 (hg19) VCF-style: chr16-2154523-C-A.
Other names: c.8137G>T, p.Gly2713Ter (NM_000296.4); short protein forms G2713*.
Identifiers: ClinVar variation 3778747 (VCV003778747.1).

ClinVar aggregate classification (germline): Pathogenic (1 of 4 stars; one submission).

Conditions:
Polycystic kidney disease, adult type (PKD1). Also called: Polycystic Kidney, Autosomal Dominant; POLYCYSTIC KIDNEY DISEASE 1 WITH OR WITHOUT POLYCYSTIC LIVER DISEASE; Polycystic Kidney Disease 1, Autosomal Dominant; Polycystic kidney disease 1; Polycystic kidney disease 1, severe; POLYCYSTIC KIDNEY DISEASE, ADULT, TYPE I. Identifiers: MedGen C3149841, MONDO:0008263, OMIM 173900.

Submission:

Institute of Human Genetics, University of Leipzig Medical Center
Classification: Pathogenic for Polycystic kidney disease, adult type. Last evaluated: 2025-03-25. Review status: criteria provided, single submitter. Criteria: ACMG Guidelines, 2015. Collection method: clinical testing. Allele origin: unknown. Inheritance: Autosomal dominant inheritance. Affected: yes.
Comment: Criteria applied: PVS1,PM2